The following is an entry in ClinVar:

ClinVar aggregate classification (germline): Uncertain significance (1 of 4 stars; one submission).

Submission:

CeGaT Center for Human Genetics Tuebingen
Classification: Uncertain significance. Last evaluated: 2025-01-01. Review status: criteria provided, single submitter. Criteria: CeGaT Center For Human Genetics Tuebingen Variant Classification Criteria Version 2. Collection method: clinical testing. Allele origin: germline. Affected: yes. Observed: 1 variant allele.
Comment: MYH9: PM2, BP4

NM_002473.6(MYH9):c.3631-8C>T

Gene: MYH9 (myosin heavy chain 9; minus strand). Cytogenetic location: 22q12.3.
Variant type: single nucleotide variant.
Coding change: c.3631-8C>T on transcript NM_002473.6 (MANE Select); 8 bases into the intron before coding-DNA position 3631, C replaced by T.
Molecular consequence: intron variant.
Genome position (GRCh38, 1-based): chr22:36,294,306, G>A on the plus strand (C>T on the coding strand, the complement: MYH9 is on the minus strand). VCF-style: chr22-36294306-G-A. GRCh37 (hg19) VCF-style: chr22-36690352-G-A.
Identifiers: ClinVar variation 3771887 (VCV003771887.13).